The following is an entry in ClinVar:

NM_006663.4(PPP1R13L):c.*255C>A

Gene: PPP1R13L (protein phosphatase 1 regulatory subunit 13 like; minus strand). Cytogenetic location: 19q13.32.
Variant type: single nucleotide variant.
Coding change: c.*255C>A on transcript NM_006663.4 (MANE Select); 255 bases downstream of the stop codon, C replaced by A.
Molecular consequence: 3 prime UTR variant.
Genome position (GRCh38, 1-based): chr19:45,379,935, G>T on the plus strand (C>A on the coding strand, the complement: PPP1R13L is on the minus strand). VCF-style: chr19-45379935-G-T. GRCh37 (hg19) VCF-style: chr19-45883193-G-T.
Other names: c.*255C>A (NM_001142502.2).
Identifiers: ClinVar variation 5037852 (VCV005037852.1), dbSNP rs1340417383.

ClinVar aggregate classification (germline): Likely benign (1 of 4 stars; one submission).

Submission:

Molecular Diagnostic Laboratory for Inherited Cardiovascular Disease, Montreal Heart Institute
Classification: Likely benign. Last evaluated: 2026-09-21. Review status: criteria provided, single submitter. Criteria: ACMG Guidelines, 2015. Collection method: clinical testing. Allele origin: germline. Affected: no.
Comment: PM2